The following is an entry in ClinVar:

ClinVar aggregate classification (germline): Uncertain significance. Review status: criteria provided, multiple submitters, no conflicts (2 of 4 stars). 2 submissions from 2 submitters: Uncertain significance (2). Last evaluated 2025-11-06.

Conditions:
Hereditary cancer-predisposing syndrome. Also called: Neoplastic Syndromes, Hereditary; Tumor predisposition; Hereditary Cancer Syndrome; Hereditary neoplastic syndrome. Identifiers: Orphanet 140162, MedGen C0027672, MeSH D009386, MONDO:0015356.
Familial adenomatous polyposis 1 (FAP1). Also called: FAMILIAL ADENOMATOUS POLYPOSIS 1, ATTENUATED; POLYPOSIS, ADENOMATOUS INTESTINAL. Identifiers: MedGen C2713442, MONDO:0021056, OMIM 175100. Disease mechanism: loss of function.

gnomAD v4.1: 2 of 1,612,606 alleles (0.00012%); highest among the groups gnomAD compares: Non-Finnish European, 0.00017%; no homozygotes.

Submissions (2):

Ambry Genetics
Classification: Uncertain significance for Hereditary cancer-predisposing syndrome. Last evaluated: 2025-11-06. Review status: criteria provided, single submitter. Criteria: Ambry Variant Classification Scheme 2023. Collection method: clinical testing. Allele origin: germline.
Comment: The p.L75I variant (also known as c.223C>A), located in coding exon 3 of the APC gene, results from a C to A substitution at nucleotide position 223. The leucine at codon 75 is replaced by isoleucine, an amino acid with highly similar properties. This amino acid position is well conserved in available vertebrate species. In addition, in silico predictors for this gene do not accurately predict pathogenicity. Based on the available evidence, the clinical significance of this variant remains unclear.

Baylor Genetics
Classification: Uncertain significance for Familial adenomatous polyposis 1. Last evaluated: 2023-08-29. Review status: criteria provided, single submitter. Criteria: ACMG Guidelines, 2015. Collection method: clinical testing. Allele origin: unknown.

NM_000038.6(APC):c.223C>A (p.Leu75Ile)

Gene: APC (APC regulator of Wnt signaling pathway; plus strand). Cytogenetic location: 5q22.2.
Variant type: single nucleotide variant.
Coding change: c.223C>A on transcript NM_000038.6 (MANE Select); coding-DNA position 223, C replaced by A.
Protein change: p.Leu75Ile; replaces leucine 75 with isoleucine.
Molecular consequence: missense variant. On other transcripts: 5 prime UTR variant (4), non-coding transcript variant (2).
Genome position (GRCh38, 1-based): chr5:112,767,191, C>A. VCF-style: chr5-112767191-C-A. GRCh37 (hg19) VCF-style: chr5-112102888-C-A.
Other names: c.223C>A, p.Leu75Ile (NM_001127510.3, NM_001354895.2, NM_001354896.2 and 16 more transcripts); c.223C>A (NM_000038.5); c.253C>A, p.Leu85Ile (NM_001127511.3, NM_001354897.2, NM_001354902.2 and 1 more transcripts); c.148C>A, p.Leu50Ile (NM_001354898.2, NM_001354904.2, NM_001407451.1); c.46C>A, p.Leu16Ile (NM_001354900.2, NM_001354901.2, NM_001354905.2 and 1 more transcripts); c.-813C>A (NM_001354906.2, NM_001407470.1, NM_001407471.1 and 1 more transcripts); short protein forms L16I, L50I, L75I, L85I.
Identifiers: ClinVar variation 2677409 (VCV002677409.2), dbSNP rs760790156, ClinGen allele CA16021828.
Genomic context (GRCh38, chr5:112,767,191, plus strand): 5'-AATATTTTAGACTGCTTAAAGCAATTGTTGTATAAAAACTTGTTTCTATTTTATTTAGAG[C>A]TTAACTTAGATAGCAGTAATTTCCCTGGAGTAAAACTGCGGTCAAAAATGTCCCTCCGTT-3'
Protein context (NP_000029.2, residues 65-85): QIDLLERLKE[Leu75Ile]NLDSSNFPGV